The following is an entry in ClinVar:

NM_212482.4(FN1):c.5155G>C (p.Ala1719Pro)

Gene: FN1 (fibronectin 1; minus strand). Cytogenetic location: 2q35.
Variant type: single nucleotide variant.
Coding change: c.5155G>C on transcript NM_212482.4 (MANE Select); coding-DNA position 5155, G replaced by C.
Protein change: p.Ala1719Pro; replaces alanine 1719 with proline.
Molecular consequence: missense variant.
Genome position (GRCh38, 1-based): chr2:215,382,221, C>G on the plus strand (G>C on the coding strand, the complement: FN1 is on the minus strand). VCF-style: chr2-215382221-C-G. GRCh37 (hg19) VCF-style: chr2-216246944-C-G.
Other names: c.5155G>C, p.Ala1719Pro (NM_001306129.2, NM_001306130.2, NM_001365517.2 and 3 more transcripts); c.4882G>C, p.Ala1628Pro (NM_001306131.2, NM_001306132.2, NM_001365518.2 and 7 more transcripts); short protein forms A1628P, A1719P.
Identifiers: ClinVar variation 2870647 (VCV002870647.3), dbSNP rs1034745641, ClinGen allele CA64856164.

ClinVar aggregate classification (germline): Uncertain significance (1 of 4 stars; one submission).

gnomAD v4.1: 1 of 1,609,798 alleles (0.000062%); no homozygotes.

Submission:

Labcorp Genetics (formerly Invitae), Labcorp
Classification: Uncertain significance. Last evaluated: 2025-03-26. Review status: criteria provided, single submitter. Criteria: Invitae Variant Classification Sherloc (09022015). Collection method: clinical testing. Allele origin: germline.
Comment: This sequence change replaces alanine, which is neutral and non-polar, with proline, which is neutral and non-polar, at codon 1719 of the FN1 protein (p.Ala1719Pro). This variant is not present in population databases (gnomAD no frequency). This variant has not been reported in the literature in individuals affected with FN1-related conditions. ClinVar contains an entry for this variant (Variation ID: 2870647). An algorithm developed to predict the effect of missense changes on protein structure and function (PolyPhen-2) suggests that this variant is likely to be disruptive. In summary, the available evidence is currently insufficient to determine the role of this variant in disease. Therefore, it has been classified as a Variant of Uncertain Significance.